The following is an entry in ClinVar:

NM_018896.5(CACNA1G):c.6977G>A (p.Ser2326Asn)

Gene: CACNA1G (calcium voltage-gated channel subunit alpha1 G; plus strand). Cytogenetic location: 17q21.33.
Variant type: single nucleotide variant.
Coding change: c.6977G>A on transcript NM_018896.5 (MANE Select); coding-DNA position 6977, G replaced by A.
Protein change: p.Ser2326Asn; replaces serine 2326 with asparagine.
Molecular consequence: missense variant. On other transcripts: non-coding transcript variant (5).
Genome position (GRCh38, 1-based): chr17:50,626,594, G>A. VCF-style: chr17-50626594-G-A. GRCh37 (hg19) VCF-style: chr17-48703955-G-A.
Other names: c.6788G>A, p.Ser2263Asn (NM_001256324.2); c.6719G>A, p.Ser2240Asn (NM_001256325.2); c.6707G>A, p.Ser2236Asn (NM_001256326.2); c.6677G>A, p.Ser2226Asn (NM_001256327.2); c.6623G>A, p.Ser2208Asn (NM_001256328.2); c.6596G>A, p.Ser2199Asn (NM_001256329.2, NM_198387.3); c.6563G>A, p.Ser2188Asn (NM_001256330.2); c.6542G>A, p.Ser2181Asn (NM_001256331.2); and 18 more; short protein forms S2120N, S2143N, S2154N, S2176N, S2181N, S2188N, S2192N, S2195N.
Identifiers: ClinVar variation 3046754 (VCV003046754.3), dbSNP rs546393701, ClinGen allele CA8653779.

ClinVar aggregate classification (germline): Likely benign. Review status: criteria provided, single submitter (1 of 4 stars). 2 submissions from 2 submitters: Likely benign (1). 1 of the submissions does not count toward it. Last evaluated 2024-02-16.

Conditions:
CACNA1G-related disorder. Also called: CACNA1G-related disorders; CACNA1G-related condition.

Allele frequency attached by ClinVar (database versions not stated): gnomAD 0.00014; gnomAD exomes 0.00023; 1000 Genomes Project 30x 0.00031; 1000 Genomes Project 0.00040; ExAC 0.00067.
gnomAD v4.1: 366 of 1,610,924 alleles (0.023%); highest among the groups gnomAD compares: South Asian, 0.37%; 1 homozygote.

Submissions (2):

Blueprint Genetics
Classification: Likely benign. Last evaluated: 2024-02-16. Review status: criteria provided, single submitter. Criteria: ACMG Guidelines, 2015. Collection method: clinical testing. Allele origin: germline.

PreventionGenetics, part of Exact Sciences
Classification: Likely benign for CACNA1G-related condition. Last evaluated: 2019-04-07. Review status: no assertion criteria provided. Collection method: clinical testing. Allele origin: germline. Not counted in ClinVar's aggregate classification.
Comment: This variant is classified as likely benign based on ACMG/AMP sequence variant interpretation guidelines (Richards et al. 2015 PMID: 25741868, with internal and published modifications).